The following is an entry in ClinVar:

NM_015526.3(CLIP3):c.1485C>T (p.Ser495=)

Genes: CLIP3 (CAP-Gly domain containing linker protein 3; minus strand), LOC101927572 (uncharacterized LOC101927572; plus strand). Cytogenetic location: 19q13.12.
Variant type: single nucleotide variant.
Coding change: c.1485C>T on transcript NM_015526.3 (MANE Select); coding-DNA position 1485, C replaced by T.
Protein change: p.Ser495=; no amino-acid change (serine 495 retained).
Molecular consequence: synonymous variant.
Genome position (GRCh38, 1-based): chr19:36,017,417, G>A on the plus strand (C>T on the coding strand, the complement: CLIP3 is on the minus strand). VCF-style: chr19-36017417-G-A. GRCh37 (hg19) VCF-style: chr19-36508319-G-A.
Other names: c.1485C>T, p.Ser495= (NM_001199570.2).
Identifiers: ClinVar variation 4822298 (VCV004822298.4).

ClinVar aggregate classification (germline): Likely benign (1 of 4 stars; one submission).

gnomAD v4.1: 13 of 1,614,092 alleles (0.00081%); highest among the groups gnomAD compares: Admixed American, 0.005%; no homozygotes.

Submission:

CeGaT Center for Human Genetics Tuebingen
Classification: Likely benign. Last evaluated: 2026-01-01. Review status: criteria provided, single submitter. Criteria: CeGaT Center For Human Genetics Tuebingen Variant Classification Criteria Version 2. Collection method: clinical testing. Allele origin: germline. Affected: yes. Observed: 1 variant allele.
Comment: CLIP3: BP4, BP7